The following is an entry in ClinVar:

ClinVar aggregate classification (germline): Uncertain significance (1 of 4 stars; one submission).

Conditions:
Familial thoracic aortic aneurysm and aortic dissection (TAAD). Also called: Thoracic aortic aneurysms and dissections. Identifiers: Orphanet 91387, MedGen C4707243, MONDO:0019625.

Submission:

Ambry Genetics
Classification: Uncertain significance for Familial thoracic aortic aneurysm and aortic dissection. Last evaluated: 2024-06-26. Review status: criteria provided, single submitter. Criteria: Ambry Variant Classification Scheme 2023. Collection method: clinical testing. Allele origin: germline.
Comment: The p.E92G variant (also known as c.275A>G), located in coding exon 3 of the PLOD1 gene, results from an A to G substitution at nucleotide position 275. The glutamic acid at codon 92 is replaced by glycine, an amino acid with similar properties. This amino acid position is conserved. In addition, this alteration is predicted to be tolerated by in silico analysis. Based on the available evidence, the clinical significance of this variant remains unclear.

NM_000302.4(PLOD1):c.275A>G (p.Glu92Gly)

Gene: PLOD1 (procollagen-lysine,2-oxoglutarate 5-dioxygenase 1; plus strand). Cytogenetic location: 1p36.22.
Variant type: single nucleotide variant.
Coding change: c.275A>G on transcript NM_000302.4 (MANE Select); coding-DNA position 275, A replaced by G.
Protein change: p.Glu92Gly; replaces glutamic acid 92 with glycine.
Molecular consequence: missense variant.
Genome position (GRCh38, 1-based): chr1:11,949,879, A>G. VCF-style: chr1-11949879-A-G. GRCh37 (hg19) VCF-style: chr1-12009936-A-G.
Other names: c.416A>G, p.Glu139Gly (NM_001316320.2); short protein forms E92G, E139G.
Identifiers: ClinVar variation 3420920 (VCV003420920.1).